The following is an entry in ClinVar:

ClinVar aggregate classification (germline): Pathogenic/Likely pathogenic. Review status: criteria provided, multiple submitters, no conflicts (2 of 4 stars). 7 submissions from 7 submitters: Pathogenic (2); Likely pathogenic (4). 1 of the submissions does not count toward it. Last evaluated 2026-08-01.

Conditions:
PIGV-related disorder. Also called: PIGV-related condition; PIGV-related disorders.
Inborn genetic diseases. Identifiers: MedGen C0950123, MeSH D030342.
Hyperphosphatasia with impaired intellectual development syndrome 1. Also called: GLYCOSYLPHOSPHATIDYLINOSITOL BIOSYNTHESIS DEFECT 2; MABRY SYNDROME; Hyperphosphatasia with intellectual disability syndrome 1. Identifiers: Orphanet 247262, MedGen C4551502, MONDO:0009398, OMIM 239300.

Allele frequency attached by ClinVar (database versions not stated): gnomAD exomes 0.00010 and 0.00014; gnomAD 0.00006 and 0.00005; TOPMed 0.00006; ExAC 0.00012.
gnomAD v4.1: 201 of 1,614,084 alleles (0.012%); highest among the groups gnomAD compares: Non-Finnish European, 0.017%; no homozygotes.

Submissions (7):

CeGaT Center for Human Genetics Tuebingen
Classification: Pathogenic. Last evaluated: 2026-08-01. Review status: criteria provided, single submitter. Criteria: CeGaT Center For Human Genetics Tuebingen Variant Classification Criteria Version 2. Collection method: clinical testing. Allele origin: germline. Affected: yes. Observed: 2 variant alleles.
Comment: PIGV: PM3:Very Strong, PM2, PP3, PP4

Ambry Genetics
Classification: Likely pathogenic for Inborn genetic diseases. Last evaluated: 2026-03-23. Review status: criteria provided, single submitter. Criteria: Ambry Variant Classification Scheme 2023. Collection method: clinical testing. Allele origin: germline.
Comment: The c.467G>A (p.C156Y) alteration is located in exon 3 (coding exon 2) of the PIGV gene. This alteration results from a G to A substitution at nucleotide position 467, causing the cysteine (C) at amino acid position 156 to be replaced by a tyrosine (Y). Based on data from gnomAD, the A allele has an overall frequency of 0.01% (28/282886) total alleles studied. The highest observed frequency was 0.02% (26/129188) of European (non-Finnish) alleles. This variant has been identified in the homozygous state and/or in conjunction with other PIGV variant(s) in individual(s) with features consistent with PIGV-related hyperphosphatasia with impaired intellectual development syndrome; in at least one instance, the variants were identified in trans (Horn, 2011; Thompson, 2012; Bayat, 2022). This amino acid position is well conserved in available vertebrate species. This alteration is predicted to be deleterious by in silico analysis. Based on the available evidence, this alteration is classified as likely pathogenic.

Labcorp Genetics (formerly Invitae), Labcorp
Classification: Pathogenic. Last evaluated: 2026-01-26. Review status: criteria provided, single submitter. Criteria: Invitae Variant Classification Sherloc (09022015). Collection method: clinical testing. Allele origin: germline.
Comment: This sequence change replaces cysteine, which is neutral and slightly polar, with tyrosine, which is neutral and polar, at codon 156 of the PIGV protein (p.Cys156Tyr). This variant is present in population databases (rs387907023, gnomAD 0.02%). This missense change has been observed in individual(s) with hyperphosphatasia with intellectual disability (PMID: 21739589, 22315194). In at least one individual the data is consistent with being in trans (on the opposite chromosome) from a pathogenic variant. ClinVar contains an entry for this variant (Variation ID: 30821). Invitae Evidence Modeling of protein sequence and biophysical properties (such as structural, functional, and spatial information, amino acid conservation, physicochemical variation, residue mobility, and thermodynamic stability) indicates that this missense variant is expected to disrupt PIGV protein function with a positive predictive value of 95%. For these reasons, this variant has been classified as Pathogenic.

GeneDx
Classification: Likely pathogenic. Last evaluated: 2025-06-18. Review status: criteria provided, single submitter. Criteria: GeneDx Variant Classification Process June 2021. Collection method: clinical testing. Allele origin: germline. Affected: yes.
Comment: Observed with a missense variant in patients with features consistent with PIGV-related GPI biosynthesis disorder in the published literature, but it is not known whether the variants occurred on the same (in cis) or on different (in trans) chromosomes (PMID: 35080266, 22315194); Not observed at significant frequency in large population cohorts (gnomAD); In silico analysis supports that this missense variant has a deleterious effect on protein structure/function; This variant is associated with the following publications: (PMID: 27177984, 23561846, 31589614, 22315194, 35080266, 33528536, 38414627, 21739589, 34441372)

Blueprint Genetics
Classification: Likely pathogenic for PIGV-related disorders. Last evaluated: 2024-11-15. Review status: criteria provided, single submitter. Criteria: ACMG Guidelines, 2015. Collection method: clinical testing. Allele origin: germline. Affected: yes. Observed: 5 variant alleles.

Clinical Genetics Laboratory, Skane University Hospital Lund
Classification: Likely pathogenic. Last evaluated: 2023-07-13. Review status: criteria provided, single submitter. Criteria: ACMG Guidelines, 2015. Collection method: clinical testing. Allele origin: germline. Affected: yes.

OMIM
Classification: Pathogenic for HYPERPHOSPHATASIA WITH IMPAIRED INTELLECTUAL DEVELOPMENT SYNDROME 1. Last evaluated: 2011-08-01. Review status: no assertion criteria provided. Collection method: literature only. Allele origin: germline. Not counted in ClinVar's aggregate classification.

Literature cited by the submitters: PubMed 21739589 (cited by 3 submitters); PubMed 22315194 (cited by Ambry Genetics and Labcorp Genetics (formerly Invitae), Labcorp); PubMed 35080266 (cited by Ambry Genetics).

NM_017837.4(PIGV):c.467G>A (p.Cys156Tyr)

Gene: PIGV (phosphatidylinositol glycan anchor biosynthesis class V; plus strand). Cytogenetic location: 1p36.11.
Variant type: single nucleotide variant.
Coding change: c.467G>A on transcript NM_017837.4 (MANE Select); coding-DNA position 467, G replaced by A.
Protein change: p.Cys156Tyr; replaces cysteine 156 with tyrosine.
Molecular consequence: missense variant. On other transcripts: non-coding transcript variant (1), intron variant (3).
Genome position (GRCh38, 1-based): chr1:26,794,501, G>A. VCF-style: chr1-26794501-G-A. GRCh37 (hg19) VCF-style: chr1-27120992-G-A.
Other names: c.467G>A, p.Cys156Tyr (NM_001202554.2, NM_001374478.1, NM_001374480.1 and 2 more transcripts); c.86G>A, p.Cys29Tyr (NM_001374483.1); c.172+295G>A (NM_001374484.1, NM_001374485.1); c.79-3062G>A (NM_001374486.1); short protein forms C156Y, C29Y.
Identifiers: ClinVar variation 30821 (VCV000030821.17), dbSNP rs387907023, ClinGen allele CA129484.